The following is an entry in ClinVar:

NM_018433.6(KDM3A):c.1559T>A (p.Leu520His)

Gene: KDM3A (lysine demethylase 3A; plus strand). Cytogenetic location: 2p11.2.
Variant type: single nucleotide variant.
Coding change: c.1559T>A on transcript NM_018433.6 (MANE Select); coding-DNA position 1559, T replaced by A.
Protein change: p.Leu520His; replaces leucine 520 with histidine.
Molecular consequence: missense variant.
Genome position (GRCh38, 1-based): chr2:86,470,243, T>A. VCF-style: chr2-86470243-T-A. GRCh37 (hg19) VCF-style: chr2-86697366-T-A.
Other names: c.1559T>A, p.Leu520His (NM_001146688.2); short protein forms L520H.
Identifiers: ClinVar variation 3040935 (VCV003040935.2), dbSNP rs186664065, ClinGen allele CA1749419.
Genomic context (GRCh38, chr2:86,470,243, plus strand): 5'-CTTAATCTTTTGTTTTCCTAGCCCCATCCAGGAAGTCGGTTTTGACAGACCCAGCTAAAC[T>A]CAAAAAGCTGCAACAGAGTGGCGAGGCCTTCGTACAGGATGATTCTTGTGTGAACATCGT-3'
Protein context (NP_060903.2, residues 510-530): RKSVLTDPAK[Leu520His]KKLQQSGEAF

ClinVar aggregate classification (germline): Benign (0 of 4 stars; one submission).

Conditions:
KDM3A-related disorder. Also called: KDM3A-related condition.

Allele frequency attached by ClinVar (database versions not stated): gnomAD exomes 0.00047; gnomAD 0.00050; TOPMed 0.00058; ExAC 0.00095; 1000 Genomes Project 30x 0.00219; 1000 Genomes Project 0.00280.
gnomAD v4.1: 759 of 1,614,104 alleles (0.047%); highest among the groups gnomAD compares: East Asian, 1.6%; 7 homozygotes.

Submission:

PreventionGenetics, part of Exact Sciences
Classification: Benign for KDM3A-related condition. Last evaluated: 2019-09-10. Review status: no assertion criteria provided. Collection method: clinical testing. Allele origin: germline.
Comment: This variant is classified as benign based on ACMG/AMP sequence variant interpretation guidelines (Richards et al. 2015 PMID: 25741868, with internal and published modifications).